The following is an entry in ClinVar:

ClinVar aggregate classification (germline): Uncertain significance (1 of 4 stars; one submission).

Allele frequency attached by ClinVar (database versions not stated): gnomAD exomes below 0.00001; ExAC 0.00002.
gnomAD v4.1: 1 of 1,613,798 alleles (0.000062%); highest among the groups gnomAD compares: Non-Finnish European, 0.000085%; no homozygotes.

Submission:

Labcorp Genetics (formerly Invitae), Labcorp
Classification: Uncertain significance. Last evaluated: 2025-12-02. Review status: criteria provided, single submitter. Criteria: Invitae Variant Classification Sherloc (09022015). Collection method: clinical testing. Allele origin: germline.
Comment: This sequence change replaces serine, which is neutral and polar, with proline, which is neutral and non-polar, at codon 1343 of the CDK13 protein (p.Ser1343Pro). This variant is present in population databases (rs771582612, gnomAD 0.002%). This variant has not been reported in the literature in individuals affected with CDK13-related conditions. ClinVar contains an entry for this variant (Variation ID: 2128385). Invitae Evidence Modeling of protein sequence and biophysical properties (such as structural, functional, and spatial information, amino acid conservation, physicochemical variation, residue mobility, and thermodynamic stability) indicates that this missense variant is not expected to disrupt CDK13 protein function with a negative predictive value of 95%. In summary, the available evidence is currently insufficient to determine the role of this variant in disease. Therefore, it has been classified as a Variant of Uncertain Significance.

NM_003718.5(CDK13):c.4027T>C (p.Ser1343Pro)

Gene: CDK13 (cyclin dependent kinase 13; plus strand). Cytogenetic location: 7p14.1.
Variant type: single nucleotide variant.
Coding change: c.4027T>C on transcript NM_003718.5 (MANE Select); coding-DNA position 4027, T replaced by C.
Protein change: p.Ser1343Pro; replaces serine 1343 with proline.
Molecular consequence: missense variant.
Genome position (GRCh38, 1-based): chr7:40,094,468, T>C. VCF-style: chr7-40094468-T-C. GRCh37 (hg19) VCF-style: chr7-40134067-T-C.
Other names: c.3847T>C, p.Ser1283Pro (NM_031267.4); short protein forms S1283P, S1343P.
Identifiers: ClinVar variation 2128385 (VCV002128385.4), dbSNP rs771582612, ClinGen allele CA4229055.